The following is an entry in ClinVar:

ClinVar aggregate classification (germline): Uncertain significance. Review status: criteria provided, multiple submitters, no conflicts (2 of 4 stars). 2 submissions from 2 submitters: Uncertain significance (2). Last evaluated 2026-09-08.

Conditions:
Fabry disease. Also called: Fabry's disease; ALPHA-GALACTOSIDASE A DEFICIENCY; ANDERSON-FABRY DISEASE; CERAMIDE TRIHEXOSIDASE DEFICIENCY; GLA DEFICIENCY; HEREDITARY DYSTOPIC LIPIDOSIS. Identifiers: Orphanet 324, MedGen C0002986, MONDO:0010526, OMIM 301500, HP:0001071. Disease mechanism: Fabry disease is due to inactivating mutations in the X-linked GLA gene resulting in deficiency of the enzyme Alpha Galactosidase-A., loss of function.

Submissions (2):

Genomenon, Inc
Classification: Uncertain significance for Fabry disease. Last evaluated: 2026-09-08. Review status: criteria provided, single submitter. Criteria: Genomenon Sequence Variant Interpretation Standards - Updated. Collection method: curation. Allele origin: germline. Affected: yes.
Comment: GLA p.Lys130Thr (c.389A>C) is a missense variant that changes the amino acid at codon 130 from Lysine to Threonine. This variant has been observed in at least one proband with clinical features consistent with Fabry disease (PMID:33250492). It is absent or not present at a significant frequency in gnomAD. In silico models predict that this variant is possibly or probably damaging. In conclusion, we classify GLA p.Lys130Thr (c.389A>C) as a variant of uncertain significance.

Labcorp Genetics (formerly Invitae), Labcorp
Classification: Uncertain significance for Fabry disease. Last evaluated: 2025-11-11. Review status: criteria provided, single submitter. Criteria: Invitae Variant Classification Sherloc (09022015). Collection method: clinical testing. Allele origin: germline.
Comment: This sequence change replaces lysine, which is basic and polar, with threonine, which is neutral and polar, at codon 130 of the GLA protein (p.Lys130Thr). This variant is not present in population databases (gnomAD no frequency). This variant has not been reported in the literature in individuals affected with GLA-related conditions. Invitae Evidence Modeling of protein sequence and biophysical properties (such as structural, functional, and spatial information, amino acid conservation, physicochemical variation, residue mobility, and thermodynamic stability) indicates that this missense variant is expected to disrupt GLA protein function with a positive predictive value of 80%. In summary, the available evidence is currently insufficient to determine the role of this variant in disease. Therefore, it has been classified as a Variant of Uncertain Significance.

Literature cited by the submitters: PubMed 33250492 (cited by Genomenon, Inc).

NM_000169.3(GLA):c.389A>C (p.Lys130Thr)

Genes: GLA (galactosidase alpha; minus strand), RPL36A-HNRNPH2 (RPL36A-HNRNPH2 readthrough; plus strand). Cytogenetic location: Xq22.1.
Variant type: single nucleotide variant.
Coding change: c.389A>C on transcript NM_000169.3 (MANE Select); coding-DNA position 389, A replaced by C.
Protein change: p.Lys130Thr; replaces lysine 130 with threonine.
Molecular consequence: missense variant. On other transcripts: non-coding transcript variant (3), intron variant (2).
Genome position (GRCh38, 1-based): chrX:101,401,790, T>G on the plus strand (A>C on the coding strand, the complement: GLA is on the minus strand). VCF-style: chrX-101401790-T-G. GRCh37 (hg19) VCF-style: chrX-100656778-T-G.
Other names: c.512A>C, p.Lys171Thr (NM_001406747.1, NM_001406749.1); c.389A>C, p.Lys130Thr (NM_001406748.1); c.300+6333T>G (NM_001199973.2); c.177+9968T>G (NM_001199974.2); short protein forms K171T, K130T.
Identifiers: ClinVar variation 4742474 (VCV004742474.2).